The following is an entry in ClinVar:

NM_000836.4(GRIN2D):c.677G>C (p.Gly226Ala)

Gene: GRIN2D (glutamate ionotropic receptor NMDA type subunit 2D; plus strand). Cytogenetic location: 19q13.33.
Variant type: single nucleotide variant.
Coding change: c.677G>C on transcript NM_000836.4 (MANE Select); coding-DNA position 677, G replaced by C.
Protein change: p.Gly226Ala; replaces glycine 226 with alanine.
Molecular consequence: missense variant.
Genome position (GRCh38, 1-based): chr19:48,404,945, G>C. VCF-style: chr19-48404945-G-C. GRCh37 (hg19) VCF-style: chr19-48908202-G-C.
Other names: short protein forms G226A.
Identifiers: ClinVar variation 3612280 (VCV003612280.2).

ClinVar aggregate classification (germline): Uncertain significance (1 of 4 stars; one submission).

gnomAD v4.1: 11 of 1,612,828 alleles (0.00068%); highest among the groups gnomAD compares: Non-Finnish European, 0.00093%; no homozygotes.

Submission:

Labcorp Genetics (formerly Invitae), Labcorp
Classification: Uncertain significance. Last evaluated: 2025-01-27. Review status: criteria provided, single submitter. Criteria: Invitae Variant Classification Sherloc (09022015). Collection method: clinical testing. Allele origin: germline.
Comment: This sequence change replaces glycine, which is neutral and non-polar, with alanine, which is neutral and non-polar, at codon 226 of the GRIN2D protein (p.Gly226Ala). This variant is not present in population databases (gnomAD no frequency). This variant has not been reported in the literature in individuals affected with GRIN2D-related conditions. Invitae Evidence Modeling of protein sequence and biophysical properties (such as structural, functional, and spatial information, amino acid conservation, physicochemical variation, residue mobility, and thermodynamic stability) indicates that this missense variant is not expected to disrupt GRIN2D protein function with a negative predictive value of 80%. In summary, the available evidence is currently insufficient to determine the role of this variant in disease. Therefore, it has been classified as a Variant of Uncertain Significance.